The following is an entry in ClinVar:

ClinVar aggregate classification (germline): Uncertain significance (1 of 4 stars; one submission).

Conditions:
Cardiovascular phenotype. Identifiers: MedGen CN230736.

Submission:

Ambry Genetics
Classification: Uncertain significance for Cardiovascular phenotype. Last evaluated: 2020-06-23. Review status: criteria provided, single submitter. Criteria: Ambry Variant Classification Scheme 2023. Collection method: clinical testing. Allele origin: germline.
Comment: The p.V125D variant (also known as c.374T>A), located in coding exon 3 of the MYH7 gene, results from a T to A substitution at nucleotide position 374. The valine at codon 125 is replaced by aspartic acid, an amino acid with highly dissimilar properties. This amino acid position is not well conserved in available vertebrate species. In addition, this alteration is predicted to be deleterious by in silico analysis. Since supporting evidence is limited at this time, the clinical significance of this alteration remains unclear.

NM_000257.4(MYH7):c.374T>A (p.Val125Asp)

Gene: MYH7 (myosin heavy chain 7; minus strand). Cytogenetic location: 14q11.2.
Variant type: single nucleotide variant.
Coding change: c.374T>A on transcript NM_000257.4 (MANE Select); coding-DNA position 374, T replaced by A.
Protein change: p.Val125Asp; replaces valine 125 with aspartic acid.
Molecular consequence: missense variant.
Genome position (GRCh38, 1-based): chr14:23,432,767, A>T on the plus strand (T>A on the coding strand, the complement: MYH7 is on the minus strand). VCF-style: chr14-23432767-A-T. GRCh37 (hg19) VCF-style: chr14-23901976-A-T.
Other names: c.374T>A, p.Val125Asp (NM_001407004.1); short protein forms V125D.
Identifiers: ClinVar variation 1734550 (VCV001734550.2), dbSNP rs2502318269, ClinGen allele CA389052956.